The following is an entry in ClinVar:

ClinVar aggregate classification (germline): Uncertain significance (1 of 4 stars; one submission).

Submission:

Labcorp Genetics (formerly Invitae), Labcorp
Classification: Uncertain significance. Last evaluated: 2024-12-20. Review status: criteria provided, single submitter. Criteria: Invitae Variant Classification Sherloc (09022015). Collection method: clinical testing. Allele origin: germline.
Comment: This sequence change replaces glutamic acid, which is acidic and polar, with glycine, which is neutral and non-polar, at codon 111 of the CDK5RAP2 protein (p.Glu111Gly). This variant is present in population databases (rs761024400, gnomAD 0.002%). This variant has not been reported in the literature in individuals affected with CDK5RAP2-related conditions. An algorithm developed to predict the effect of missense changes on protein structure and function (PolyPhen-2) suggests that this variant is likely to be disruptive. In summary, the available evidence is currently insufficient to determine the role of this variant in disease. Therefore, it has been classified as a Variant of Uncertain Significance.

NM_018249.6(CDK5RAP2):c.332A>G (p.Glu111Gly)

Gene: CDK5RAP2 (CDK5 regulatory subunit associated protein 2; minus strand). Cytogenetic location: 9q33.2.
Variant type: single nucleotide variant.
Coding change: c.332A>G on transcript NM_018249.6 (MANE Select); coding-DNA position 332, A replaced by G.
Protein change: p.Glu111Gly; replaces glutamic acid 111 with glycine.
Molecular consequence: missense variant. On other transcripts: non-coding transcript variant (5).
Genome position (GRCh38, 1-based): chr9:120,545,765, T>C on the plus strand (A>G on the coding strand, the complement: CDK5RAP2 is on the minus strand). VCF-style: chr9-120545765-T-C. GRCh37 (hg19) VCF-style: chr9-123308043-T-C.
Other names: c.332A>G, p.Glu111Gly (NM_001011649.3, NM_001272039.2, NM_001410992.1 and 2 more transcripts); short protein forms E111G.
Identifiers: ClinVar variation 3710482 (VCV003710482.2).
Genomic context (GRCh38, chr9:120,545,765, plus strand): 5'-GGTACTCACGAGGCTTTGATGAGCAGCTGCTCTCTCTCCTGGAGTTCCCGCTTCAGACTT[T>C]CTACTTCCACCTTGAGCTCAATGTTCTACAAAACAAGATTAAGAAAGAAAAGAAACAATG-3'
Protein context (NP_060719.4, residues 101-121): KTNIELKVEV[Glu111Gly]SLKRELQERE